The following is an entry in ClinVar:

NM_006231.4(POLE):c.6541dup (p.Val2181fs)

Gene: POLE (DNA polymerase epsilon, catalytic subunit; minus strand). Cytogenetic location: 12q24.33.
Variant type: Duplication.
Coding change: c.6541dup on transcript NM_006231.4 (MANE Select); coding-DNA position 6541, one base duplicated (G; older notation c.6541dupG).
Protein change: p.Val2181fs; shifts the reading frame from valine 2181.
Molecular consequence: frameshift variant.
Genome position (GRCh38, 1-based): chr12:132,625,761, C duplicated on the plus strand (G on the coding strand, the reverse complement: POLE is on the minus strand); the first of 2 consecutive C bases (chr12:132,625,761-132,625,762); duplicating either gives the same sequence. VCF-style (leftmost placement, unchanged base first): chr12-132625760-A-AC. GRCh37 (hg19) VCF-style: chr12-133202346-A-AC.
Other names: short protein forms V2181fs.
Identifiers: ClinVar variation 1502670 (VCV001502670.9), dbSNP rs1465327497, ClinGen allele CA608514001.
Genomic context (GRCh38, chr12:132,625,760, plus strand): 5'-ATCTCGATGGCAGAGGAGTCGTAGGGCGCCTGACAGTTGGAGCAGAGCCACTGAGGCAGG[A>AC]CCGCCCCATCCTAGGCAGAGCAAGAGTGCGAGAGGTCACCAGCCCAGCCTCCAGACCACA-3'

ClinVar aggregate classification (germline): Uncertain significance. Review status: criteria provided, multiple submitters, no conflicts (2 of 4 stars). 2 submissions from 2 submitters: Uncertain significance (2). Last evaluated 2026-01-08.

Conditions:
Hereditary cancer-predisposing syndrome. Also called: Neoplastic Syndromes, Hereditary; Tumor predisposition; Hereditary Cancer Syndrome; Hereditary neoplastic syndrome. Identifiers: Orphanet 140162, MedGen C0027672, MeSH D009386, MONDO:0015356.

Submissions (2):

Ambry Genetics
Classification: Uncertain significance for Hereditary cancer-predisposing syndrome. Last evaluated: 2026-01-08. Review status: criteria provided, single submitter. Criteria: Ambry Variant Classification Scheme 2023. Collection method: clinical testing. Allele origin: germline.
Comment: The c.6541dupG variant, located in coding exon 47 of the POLE gene, results from a duplication of G at nucleotide position 6541, causing a translational frameshift with a predicted alternate stop codon (p.V2181Gfs*123). This alteration occurs at the 3' terminus of the gene, is not expected to trigger nonsense-mediated mRNAdecay, and impacts the last 4.8% of the protein. The exact functional effect of this alteration is unknown. Based on the available evidence, the clinical significance of this variant remains unclear.

Labcorp Genetics (formerly Invitae), Labcorp
Classification: Uncertain significance. Last evaluated: 2025-06-24. Review status: criteria provided, single submitter. Criteria: Invitae Variant Classification Sherloc (09022015). Collection method: clinical testing. Allele origin: germline.
Comment: This sequence change is expected to alter the c-terminus of the POLE protein (p.Val2181Glyfs*123). While this is not anticipated to result in nonsense mediated decay, it is expected to disrupt the last 106 amino acid(s) of the POLE protein and extend the protein by 16 additional amino acid residues. This variant is present in population databases (no rsID available, gnomAD 0.007%). This variant has not been reported in the literature in individuals affected with POLE-related conditions. ClinVar contains an entry for this variant (Variation ID: 1502670). Experimental studies and prediction algorithms are not available or were not evaluated, and the functional significance of this variant is currently unknown. In summary, the available evidence is currently insufficient to determine the role of this variant in disease. Therefore, it has been classified as a Variant of Uncertain Significance.